The following is an entry in ClinVar:

NM_000038.6(APC):c.934-775C>T

Gene: APC (APC regulator of WNT signaling pathway; plus strand). Cytogenetic location: 5q22.2.
Variant type: single nucleotide variant.
Coding change: c.934-775C>T on transcript NM_000038.6 (MANE Select); 775 bases into the intron before coding-DNA position 934, C replaced by T.
Molecular consequence: intron variant.
Genome position (GRCh38, 1-based): chr5:112,818,191, C>T. VCF-style: chr5-112818191-C-T. GRCh37 (hg19) VCF-style: chr5-112153888-C-T.
Other names: c.934-775C>T (NM_001354895.2, NM_001127510.3, NM_001354896.2); c.964-775C>T (NM_001354897.2); c.964-1078C>T (NM_001354902.2); c.880-775C>T (NM_001127511.3); c.859-775C>T (NM_001354898.2); c.859-1078C>T (NM_001354904.2); c.85-775C>T (NM_001354906.2); c.934-1078C>T (NM_001354903.2); and 3 more.
Identifiers: ClinVar variation 83117 (VCV000083117.2), dbSNP rs75859342, ClinGen allele CA015941.

ClinVar aggregate classification (germline): other (0 of 4 stars; one submission).

Conditions:
Familial colorectal cancer. Identifiers: MedGen CN280943, MONDO:0023113. Disease mechanism: loss of function.

Submission:

Systems Biology Platform Zhejiang California International NanoSystems Institute
Classification: other for Familial colorectal cancer. Review status: no assertion criteria provided. Collection method: not provided. Allele origin: unknown.
ClinVar note: Converted during submission from cancer to other.